The following is an entry in ClinVar:

ClinVar aggregate classification (germline): Uncertain significance. Review status: criteria provided, multiple submitters, no conflicts (2 of 4 stars). 3 submissions from 3 submitters: Uncertain significance (3). Last evaluated 2025-04-10.

Conditions:
Inborn genetic diseases. Identifiers: MedGen C0950123, MeSH D030342.

Allele frequency attached by ClinVar (database versions not stated): TOPMed 0.00001; gnomAD 0.00002; ExAC 0.00001; gnomAD exomes 0.00006.
gnomAD v4.1: 89 of 1,609,330 alleles (0.0055%); highest among the groups gnomAD compares: Non-Finnish European, 0.0075%; no homozygotes.

Submissions (3):

Ambry Genetics
Classification: Uncertain significance for Inborn genetic diseases. Last evaluated: 2025-04-10. Review status: criteria provided, single submitter. Criteria: Ambry Variant Classification Scheme 2023. Collection method: clinical testing. Allele origin: germline.

GeneDx
Classification: Uncertain significance. Last evaluated: 2024-11-20. Review status: criteria provided, single submitter. Criteria: GeneDx Variant Classification Process June 2021. Collection method: clinical testing. Allele origin: germline. Affected: yes.
Comment: In silico analysis supports that this missense variant has a deleterious effect on protein structure/function; Has not been previously published as pathogenic or benign to our knowledge

Labcorp Genetics (formerly Invitae), Labcorp
Classification: Uncertain significance. Last evaluated: 2022-05-03. Review status: criteria provided, single submitter. Criteria: Invitae Variant Classification Sherloc (09022015). Collection method: clinical testing. Allele origin: germline.
Comment: This sequence change replaces proline, which is neutral and non-polar, with leucine, which is neutral and non-polar, at codon 896 of the ERCC6 protein (p.Pro896Leu). This variant is present in population databases (rs757810107, gnomAD 0.005%). This variant has not been reported in the literature in individuals affected with ERCC6-related conditions. Algorithms developed to predict the effect of missense changes on protein structure and function (SIFT, PolyPhen-2, Align-GVGD) all suggest that this variant is likely to be disruptive. In summary, the available evidence is currently insufficient to determine the role of this variant in disease. Therefore, it has been classified as a Variant of Uncertain Significance.

NM_000124.4(ERCC6):c.2687C>T (p.Pro896Leu)

Gene: ERCC6 (ERCC excision repair 6, chromatin remodeling factor; minus strand). Cytogenetic location: 10q11.23.
Variant type: single nucleotide variant.
Coding change: c.2687C>T on transcript NM_000124.4 (MANE Select); coding-DNA position 2687, C replaced by T.
Protein change: p.Pro896Leu; replaces proline 896 with leucine.
Molecular consequence: missense variant.
Genome position (GRCh38, 1-based): chr10:49,473,499, G>A on the plus strand (C>T on the coding strand, the complement: ERCC6 is on the minus strand). VCF-style: chr10-49473499-G-A. GRCh37 (hg19) VCF-style: chr10-50681545-G-A.
Other names: c.2687C>T, p.Pro896Leu (NM_001346440.2); short protein forms P896L.
Identifiers: ClinVar variation 2157117 (VCV002157117.3), dbSNP rs757810107, ClinGen allele CA5495583.